The following is an entry in ClinVar:

ClinVar aggregate classification (germline): Likely benign (0 of 4 stars; one submission).

Conditions:
SEMA3F-related disorder. Also called: SEMA3F-related condition.

Allele frequency attached by ClinVar (database versions not stated): TOPMed 0.00008; gnomAD 0.00014; gnomAD exomes 0.00024; ExAC 0.00047; 1000 Genomes Project 0.00080; 1000 Genomes Project 30x 0.00094.

Submission:

PreventionGenetics, part of Exact Sciences
Classification: Likely benign for SEMA3F-related condition. Last evaluated: 2023-06-13. Review status: no assertion criteria provided. Collection method: clinical testing. Allele origin: germline.
Comment: This variant is classified as likely benign based on ACMG/AMP sequence variant interpretation guidelines (Richards et al. 2015 PMID: 25741868, with internal and published modifications).

NM_004186.5(SEMA3F):c.609C>T (p.Tyr203=)

Gene: SEMA3F (semaphorin 3F; plus strand). Cytogenetic location: 3p21.31.
Variant type: single nucleotide variant.
Coding change: c.609C>T on transcript NM_004186.5 (MANE Select); coding-DNA position 609, C replaced by T.
Protein change: p.Tyr203=; no amino-acid change (tyrosine 203 retained).
Molecular consequence: synonymous variant.
Genome position (GRCh38, 1-based): chr3:50,176,827, C>T. VCF-style: chr3-50176827-C-T. GRCh37 (hg19) VCF-style: chr3-50214260-C-T.
Other names: c.312C>T, p.Tyr104= (NM_001318798.2); c.516C>T, p.Tyr172= (NM_001318800.2).
Identifiers: ClinVar variation 3050349 (VCV003050349.2), dbSNP rs375227432, ClinGen allele CA2411848.
Genomic context (GRCh38, chr3:50,176,827, plus strand): 5'-GGATTACATCTTCTACCTGGAGCCTGAGCGACTCGAGTCAGGGAAGGGCAAGTGTCCGTA[C>T]GATCCCAAGCTGGACACAGCATCGGCCCTCATCAGTGAGTGCCCCCCAACCCCGCTCTAC-3'
Protein context (NP_004177.3, residues 193-213): RLESGKGKCP[Tyr203=]DPKLDTASAL